The following is an entry in ClinVar:

ClinVar aggregate classification (germline): Uncertain significance (1 of 4 stars; one submission).

Conditions:
Neuropathy, hereditary sensory and autonomic, type 2A (HSAN2A). Also called: ACROOSTEOLYSIS, GIACCAI TYPE; ACROOSTEOLYSIS, NEUROGENIC; MORVAN DISEASE; NEUROPATHY, CONGENITAL SENSORY; NEUROPATHY, HEREDITARY SENSORY RADICULAR, AUTOSOMAL RECESSIVE; NEUROPATHY, HEREDITARY SENSORY, TYPE IIA. Identifiers: Orphanet 970, MedGen C2752089, MONDO:0024309, OMIM 201300.
Generalized epilepsy with febrile seizures plus, type 7 (GEFSP7). Also called: GEFS+, TYPE 7. Identifiers: Orphanet 36387, MedGen C2751778, MONDO:0013470, OMIM 613863.

Submission:

Labcorp Genetics (formerly Invitae), Labcorp
Classification: Uncertain significance for Neuropathy, hereditary sensory and autonomic, type 2A; Generalized epilepsy with febrile seizures plus, type 7. Last evaluated: 2025-01-15. Review status: criteria provided, single submitter. Criteria: Invitae Variant Classification Sherloc (09022015). Collection method: clinical testing. Allele origin: germline.
Comment: This sequence change replaces aspartic acid, which is acidic and polar, with valine, which is neutral and non-polar, at codon 1138 of the SCN9A protein (p.Asp1138Val). This variant is not present in population databases (gnomAD no frequency). This variant has not been reported in the literature in individuals affected with SCN9A-related conditions. ClinVar contains an entry for this variant (Variation ID: 2941231). Invitae Evidence Modeling of protein sequence and biophysical properties (such as structural, functional, and spatial information, amino acid conservation, physicochemical variation, residue mobility, and thermodynamic stability) indicates that this missense variant is not expected to disrupt SCN9A protein function with a negative predictive value of 95%. In summary, the available evidence is currently insufficient to determine the role of this variant in disease. Therefore, it has been classified as a Variant of Uncertain Significance.

NM_001365536.1(SCN9A):c.3446A>T (p.Asp1149Val)

Genes: SCN9A (sodium voltage-gated channel alpha subunit 9; minus strand), SCN1A-AS1 (SCN1A and SCN9A antisense RNA 1; plus strand). Cytogenetic location: 2q24.3.
Variant type: single nucleotide variant.
Coding change: c.3446A>T on transcript NM_001365536.1 (MANE Select); coding-DNA position 3446, A replaced by T.
Protein change: p.Asp1149Val; replaces aspartic acid 1149 with valine.
Molecular consequence: missense variant. On other transcripts: non-coding transcript variant (1).
Genome position (GRCh38, 1-based): chr2:166,251,791, T>A on the plus strand (A>T on the coding strand, the complement: SCN9A is on the minus strand). VCF-style: chr2-166251791-T-A. GRCh37 (hg19) VCF-style: chr2-167108301-T-A.
Other names: c.3413A>T, p.Asp1138Val (NM_002977.4); short protein forms D1138V, D1149V.
Identifiers: ClinVar variation 2941231 (VCV002941231.3), dbSNP rs1696051198, ClinGen allele CA349071842.
Genomic context (GRCh38, chr2:166,251,791, plus strand): 5'-GGAATGCTAACCAAGGTCTCAATTTTTGTCTTACCATCTGTGAAACAGGCCTCTGGCTCA[T>A]CGGAATTCATAGGTTCAGCCTCTGCTTCTTCTCCTTCTCCAGGCAAAGGGTTATCAACTG-3'
Protein context (NP_001352465.1, residues 1139-1159): EEAEAEPMNS[Asp1149Val]EPEACFTDGC